The following is an entry in ClinVar:

ClinVar aggregate classification (germline): Uncertain significance (1 of 4 stars; one submission).

Conditions:
Short-rib thoracic dysplasia 13 with or without polydactyly (SRTD13). Identifiers: Orphanet 474, MedGen C4225378, MONDO:0014577, OMIM 616300.

Submission:

Labcorp Genetics (formerly Invitae), Labcorp
Classification: Uncertain significance for Short-rib thoracic dysplasia 13 with or without polydactyly. Last evaluated: 2019-12-30. Review status: criteria provided, single submitter. Criteria: Invitae Variant Classification Sherloc (09022015). Collection method: clinical testing. Allele origin: germline.
Comment: In summary, the available evidence is currently insufficient to determine the role of this variant in disease. Therefore, it has been classified as a Variant of Uncertain Significance. Algorithms developed to predict the effect of missense changes on protein structure and function output the following: SIFT: "Tolerated"; PolyPhen-2: "Benign"; Align-GVGD: "Class C0". The glutamic acid amino acid residue is found in multiple mammalian species, suggesting that this missense change does not adversely affect protein function. These predictions have not been confirmed by published functional studies and their clinical significance is uncertain. This variant has not been reported in the literature in individuals with CEP120-related conditions. This variant is not present in population databases (ExAC no frequency). This sequence change replaces aspartic acid with glutamic acid at codon 806 of the CEP120 protein (p.Asp806Glu). The aspartic acid residue is moderately conserved and there is a small physicochemical difference between aspartic acid and glutamic acid.

NM_001375405.1(CEP120):c.2418C>A (p.Asp806Glu)

Gene: CEP120 (centrosomal protein 120; minus strand). Cytogenetic location: 5q23.2.
Variant type: single nucleotide variant.
Coding change: c.2418C>A on transcript NM_001375405.1 (MANE Select); coding-DNA position 2418, C replaced by A.
Protein change: p.Asp806Glu; replaces aspartic acid 806 with glutamic acid.
Molecular consequence: missense variant. On other transcripts: non-coding transcript variant (1).
Genome position (GRCh38, 1-based): chr5:123,372,713, G>T on the plus strand (C>A on the coding strand, the complement: CEP120 is on the minus strand). VCF-style: chr5-123372713-G-T. GRCh37 (hg19) VCF-style: chr5-122708407-G-T.
Other names: c.2340C>A, p.Asp780Glu (NM_001166226.2); c.2283C>A, p.Asp761Glu (NM_001375406.1); c.2418C>A, p.Asp806Glu (NM_001375407.1, NM_153223.4); c.1845C>A, p.Asp615Glu (NM_001375408.1, NM_001375409.1); short protein forms D780E, D615E, D761E, D806E.
Identifiers: ClinVar variation 854283 (VCV000854283.10), dbSNP rs1770933357, ClinGen allele CA360897902.